The following is an entry in ClinVar:

NM_001753.5(CAV1):c.28G>T (p.Glu10Ter)

Gene: CAV1 (caveolin 1; plus strand). Cytogenetic location: 7q31.2.
Variant type: single nucleotide variant.
Coding change: c.28G>T on transcript NM_001753.5 (MANE Select); coding-DNA position 28, G replaced by T.
Protein change: p.Glu10Ter; replaces glutamic acid 10 with a stop codon.
Molecular consequence: nonsense. On other transcripts: 5 prime UTR variant (1).
Genome position (GRCh38, 1-based): chr7:116,525,090, G>T. VCF-style: chr7-116525090-G-T. GRCh37 (hg19) VCF-style: chr7-116165144-G-T.
Other names: c.-779G>T (NM_001172895.1); short protein forms E10*.
Identifiers: ClinVar variation 800276 (VCV000800276.54), dbSNP rs370105972, ClinGen allele CA4447735.

ClinVar aggregate classification (germline): Conflicting classifications of pathogenicity. Review status: criteria provided, conflicting classifications (1 of 4 stars). 4 submissions from 4 submitters: Uncertain significance (3); Likely benign (1). Last evaluated 2025-08-17.

Conditions:
Pulmonary hypertension, primary, 3. Identifiers: Orphanet 422, MedGen C3809192, MONDO:0014135, OMIM 615343.
Inborn genetic diseases. Identifiers: MedGen C0950123, MeSH D030342.

Allele frequency attached by ClinVar (database versions not stated): TOPMed 0.00002; gnomAD 0.00004; gnomAD exomes 0.00004 and 0.00010; ExAC 0.00007; ESP Exome Variant Server 0.00008.
gnomAD v4.1: 65 of 1,613,996 alleles (0.004%); highest among the groups gnomAD compares: Non-Finnish European, 0.00068%; no homozygotes.

Submissions (4):

Labcorp Genetics (formerly Invitae), Labcorp
Classification: Likely benign for Pulmonary hypertension, primary, 3. Last evaluated: 2025-08-17. Review status: criteria provided, single submitter. Criteria: Invitae Variant Classification Sherloc (09022015). Collection method: clinical testing. Allele origin: germline.

Dasa
Classification: Uncertain significance. Last evaluated: 2025-06-10. Review status: criteria provided, single submitter. Criteria: DASA Assertion Criteria. Collection method: clinical testing. Allele origin: germline.
Comment: NM_001753.5(CAV1):c.28G>T (p.Glu10*) is a nonsense variant in CAV1 predicted to introduce a premature termination codon. This variant is rare in population databases. The currently available literature and clinical evidence are not sufficient to establish a definitive association between this variant and the reported condition. Therefore, this variant is classified as a variant of uncertain significance.

Ambry Genetics
Classification: Uncertain significance for Inborn genetic diseases. Last evaluated: 2022-08-06. Review status: criteria provided, single submitter. Criteria: Ambry Variant Classification Scheme 2023. Collection method: clinical testing. Allele origin: germline.
Comment: Loss of function has not been established as a mechanism of disease Based on insufficient or conflicting evidence, the clinical significance of this alteration remains unclear.

CeGaT Center for Human Genetics Tuebingen
Classification: Uncertain significance. Last evaluated: 2017-08-01. Review status: criteria provided, single submitter. Criteria: CeGaT Center For Human Genetics Tuebingen Variant Classification Criteria Version 2. Collection method: clinical testing. Allele origin: germline. Affected: yes. Observed: 1 variant allele.